The following is an entry in ClinVar:

ClinVar aggregate classification (germline): Conflicting classifications of pathogenicity. Review status: criteria provided, conflicting classifications (1 of 4 stars). 3 submissions from 3 submitters: Uncertain significance (2); Likely benign (1). Last evaluated 2026-09-01.

Conditions:
Inborn genetic diseases. Identifiers: MedGen C0950123, MeSH D030342.

Allele frequency attached by ClinVar (database versions not stated): gnomAD exomes 0.00003 and 0.00010; TOPMed 0.00003; gnomAD 0.00004; ExAC 0.00010.
gnomAD v4.1: 134 of 1,544,398 alleles (0.0087%); highest among the groups gnomAD compares: Non-Finnish European, 0.011%; no homozygotes.

Submissions (3):

CeGaT Center for Human Genetics Tuebingen
Classification: Likely benign. Last evaluated: 2026-09-01. Review status: criteria provided, single submitter. Criteria: CeGaT Center For Human Genetics Tuebingen Variant Classification Criteria Version 2. Collection method: clinical testing. Allele origin: germline. Affected: yes. Observed: 5 variant alleles.
Comment: ZSWIM6: BP4, BS2

Labcorp Genetics (formerly Invitae), Labcorp
Classification: Uncertain significance. Last evaluated: 2026-01-28. Review status: criteria provided, single submitter. Criteria: Invitae Variant Classification Sherloc (09022015). Collection method: clinical testing. Allele origin: germline.
Comment: This sequence change replaces glutamic acid, which is acidic and polar, with aspartic acid, which is acidic and polar, at codon 662 of the ZSWIM6 protein (p.Glu662Asp). This variant is present in population databases (rs763282681, gnomAD 0.007%). This variant has not been reported in the literature in individuals affected with ZSWIM6-related conditions. ClinVar contains an entry for this variant (Variation ID: 871773). An algorithm developed to predict the effect of missense changes on protein structure and function outputs the following: PolyPhen-2: "Benign". The aspartic acid amino acid residue is found in multiple mammalian species, which suggests that this missense change does not adversely affect protein function. In summary, the available evidence is currently insufficient to determine the role of this variant in disease. Therefore, it has been classified as a Variant of Uncertain Significance.

Ambry Genetics
Classification: Uncertain significance for Inborn genetic diseases. Last evaluated: 2025-04-13. Review status: criteria provided, single submitter. Criteria: Ambry Variant Classification Scheme 2023. Collection method: clinical testing. Allele origin: germline.

NM_020928.2(ZSWIM6):c.1986G>C (p.Glu662Asp)

Gene: ZSWIM6 (zinc finger SWIM-type containing 6; plus strand). Cytogenetic location: 5q12.1.
Variant type: single nucleotide variant.
Coding change: c.1986G>C on transcript NM_020928.2 (MANE Select); coding-DNA position 1986, G replaced by C.
Protein change: p.Glu662Asp; replaces glutamic acid 662 with aspartic acid.
Molecular consequence: missense variant.
Genome position (GRCh38, 1-based): chr5:61,531,466, G>C. VCF-style: chr5-61531466-G-C. GRCh37 (hg19) VCF-style: chr5-60827293-G-C.
Other names: c.1986G>C (NM_020928.1); short protein forms E662D.
Identifiers: ClinVar variation 871773 (VCV000871773.46), dbSNP rs763282681, ClinGen allele CA3278409.